The following is an entry in ClinVar:

ClinVar aggregate classification (germline): Uncertain significance. Review status: criteria provided, multiple submitters, no conflicts (2 of 4 stars). 3 submissions from 3 submitters: Uncertain significance (2). 1 of the submissions does not count toward it. Last evaluated 2026-01-14.

Conditions:
GATA6-related disorder. Also called: GATA6-related condition.
Atrioventricular septal defect 5 (AVSD5). Identifiers: MedGen C3280939, MONDO:0013769, OMIM 614474.

Allele frequency attached by ClinVar (database versions not stated): gnomAD 0.00001; TOPMed 0.00002.
gnomAD v4.1: 10 of 1,599,840 alleles (0.00063%); highest among the groups gnomAD compares: Admixed American, 0.0033%; no homozygotes.

Submissions (3):

Labcorp Genetics (formerly Invitae), Labcorp
Classification: Uncertain significance for Atrioventricular septal defect 5. Last evaluated: 2026-01-14. Review status: criteria provided, single submitter. Criteria: Invitae Variant Classification Sherloc (09022015). Collection method: clinical testing. Allele origin: germline.
Comment: This sequence change replaces aspartic acid, which is acidic and polar, with glutamic acid, which is acidic and polar, at codon 5 of the GATA6 protein (p.Asp5Glu). This variant is present in population databases (no rsID available, gnomAD 0.006%). This missense change has been observed in individual(s) with congenital heart defects (PMID: 29368431). ClinVar contains an entry for this variant (Variation ID: 3041124). An algorithm developed to predict the effect of missense changes on protein structure and function (PolyPhen-2) suggests that this variant is likely to be tolerated. In summary, the available evidence is currently insufficient to determine the role of this variant in disease. Therefore, it has been classified as a Variant of Uncertain Significance.

Mayo Clinic Laboratories, Mayo Clinic
Classification: Uncertain significance. Last evaluated: 2023-11-21. Review status: criteria provided, single submitter. Criteria: ACMG Guidelines, 2015. Collection method: clinical testing. Allele origin: germline. Observed: 1 variant allele.
Comment: BP5

PreventionGenetics, part of Exact Sciences
Classification: Uncertain significance for GATA6-related condition. Last evaluated: 2024-01-20. Review status: no assertion criteria provided. Collection method: clinical testing. Allele origin: germline. Not counted in ClinVar's aggregate classification.
Comment: The GATA6 c.15C>G variant is predicted to result in the amino acid substitution p.Asp5Glu. This variant has been reported to be paternally inherited in an individual with congenital heart defects (Hauser et al. 2018. PubMed ID: 29368431). This variant is reported in 0.0059% of alleles in individuals of Latino descent in gnomAD. At this time, the clinical significance of this variant is uncertain due to the absence of conclusive functional and genetic evidence.

Literature cited by the submitters: PubMed 29368431 (cited by Labcorp Genetics (formerly Invitae), Labcorp and Mayo Clinic Laboratories, Mayo Clinic).

NM_005257.6(GATA6):c.15C>G (p.Asp5Glu)

Gene: GATA6 (GATA binding protein 6; plus strand). Cytogenetic location: 18q11.2.
Variant type: single nucleotide variant.
Coding change: c.15C>G on transcript NM_005257.6 (MANE Select); coding-DNA position 15, C replaced by G.
Protein change: p.Asp5Glu; replaces aspartic acid 5 with glutamic acid.
Molecular consequence: missense variant.
Genome position (GRCh38, 1-based): chr18:22,171,159, C>G. VCF-style: chr18-22171159-C-G. GRCh37 (hg19) VCF-style: chr18-19751120-C-G.
Other names: p.Asp5Glu; short protein forms D5E.
Identifiers: ClinVar variation 3041124 (VCV003041124.4), dbSNP rs1353951147, ClinGen allele CA401798293.